The following is an entry in ClinVar:

ClinVar aggregate classification (germline): Uncertain significance (1 of 4 stars; one submission).

Conditions:
Familial temporal lobe epilepsy 7. Identifiers: Orphanet 101046, MedGen C4225327, MONDO:0014639, OMIM 616436.
Norman-Roberts syndrome (LIS2). Also called: Lissencephaly 2 (Norman-Roberts type). Identifiers: Orphanet 89844, MedGen C0796089, MONDO:0009760, OMIM 257320.

Submission:

Labcorp Genetics (formerly Invitae), Labcorp
Classification: Uncertain significance for Familial temporal lobe epilepsy 7; Norman-Roberts syndrome. Last evaluated: 2024-06-26. Review status: criteria provided, single submitter. Criteria: Invitae Variant Classification Sherloc (09022015). Collection method: clinical testing. Allele origin: germline.
Comment: This sequence change replaces glutamic acid, which is acidic and polar, with glutamine, which is neutral and polar, at codon 1139 of the RELN protein (p.Glu1139Gln). This variant is not present in population databases (gnomAD no frequency). This variant has not been reported in the literature in individuals affected with RELN-related conditions. Advanced modeling of protein sequence and biophysical properties (such as structural, functional, and spatial information, amino acid conservation, physicochemical variation, residue mobility, and thermodynamic stability) performed at Invitae indicates that this missense variant is not expected to disrupt RELN protein function with a negative predictive value of 80%. In summary, the available evidence is currently insufficient to determine the role of this variant in disease. Therefore, it has been classified as a Variant of Uncertain Significance.

NM_005045.4(RELN):c.3415G>C (p.Glu1139Gln)

Gene: RELN (reelin; minus strand). Cytogenetic location: 7q22.1.
Variant type: single nucleotide variant.
Coding change: c.3415G>C on transcript NM_005045.4 (MANE Select); coding-DNA position 3415, G replaced by C.
Protein change: p.Glu1139Gln; replaces glutamic acid 1139 with glutamine.
Molecular consequence: missense variant.
Genome position (GRCh38, 1-based): chr7:103,596,580, C>G on the plus strand (G>C on the coding strand, the complement: RELN is on the minus strand). VCF-style: chr7-103596580-C-G. GRCh37 (hg19) VCF-style: chr7-103237027-C-G.
Other names: c.3415G>C, p.Glu1139Gln (NM_173054.3); short protein forms E1139Q.
Identifiers: ClinVar variation 3757003 (VCV003757003.2).
Genomic context (GRCh38, chr7:103,596,580, plus strand): 5'-TGCTGTACTGAAGGAGGACGCCCTCCTCTCTGCTGTCAGGCTTGTTGCATGAAGCACTCT[C>G]TCCGCCTATCTGGATGTAGAACTGGACAAAGTCCACCCAAGAAGTATCCAGGTCCCAACT-3'
Protein context (NP_005036.2, residues 1129-1149): FVQFYIQIGG[Glu1139Gln]SASCNKPDSR